The following is an entry in ClinVar:

ClinVar aggregate classification (germline): Uncertain significance. Review status: criteria provided, multiple submitters, no conflicts (2 of 4 stars). 2 submissions from 2 submitters: Uncertain significance (2). Last evaluated 2023-11-28.

Allele frequency attached by ClinVar (database versions not stated): ExAC 0.00008; gnomAD 0.00009; gnomAD exomes 0.00010; TOPMed 0.00011.
gnomAD v4.1: 171 of 1,613,700 alleles (0.011%); highest among the groups gnomAD compares: Admixed American, 0.027%; no homozygotes.

Submissions (2):

Blueprint Genetics
Classification: Uncertain significance. Last evaluated: 2023-11-28. Review status: criteria provided, single submitter. Criteria: ACMG Guidelines, 2015. Collection method: clinical testing. Allele origin: germline.

Labcorp Genetics (formerly Invitae), Labcorp
Classification: Uncertain significance. Last evaluated: 2022-03-25. Review status: criteria provided, single submitter. Criteria: Invitae Variant Classification Sherloc (09022015). Collection method: clinical testing. Allele origin: germline.
Comment: This sequence change replaces arginine, which is basic and polar, with cysteine, which is neutral and slightly polar, at codon 3233 of the FAT1 protein (p.Arg3233Cys). This variant is present in population databases (rs200230570, gnomAD 0.02%). This variant has not been reported in the literature in individuals affected with FAT1-related conditions. Algorithms developed to predict the effect of missense changes on protein structure and function (SIFT, PolyPhen-2, Align-GVGD) all suggest that this variant is likely to be disruptive. In summary, the available evidence is currently insufficient to determine the role of this variant in disease. Therefore, it has been classified as a Variant of Uncertain Significance.

NM_005245.4(FAT1):c.9697C>T (p.Arg3233Cys)

Gene: FAT1 (FAT atypical cadherin 1; minus strand). Cytogenetic location: 4q35.2.
Variant type: single nucleotide variant.
Coding change: c.9697C>T on transcript NM_005245.4 (MANE Select); coding-DNA position 9697, C replaced by T.
Protein change: p.Arg3233Cys; replaces arginine 3233 with cysteine.
Molecular consequence: missense variant.
Genome position (GRCh38, 1-based): chr4:186,611,542, G>A on the plus strand (C>T on the coding strand, the complement: FAT1 is on the minus strand). VCF-style: chr4-186611542-G-A. GRCh37 (hg19) VCF-style: chr4-187532696-G-A.
Other names: short protein forms R3233C.
Identifiers: ClinVar variation 2198553 (VCV002198553.2), dbSNP rs200230570, ClinGen allele CA3165578.